The following is an entry in ClinVar:

NM_015338.6(ASXL1):c.1802C>T (p.Thr601Met)

Gene: ASXL1 (ASXL transcriptional regulator 1; plus strand). Cytogenetic location: 20q11.21.
Variant type: single nucleotide variant.
Coding change: c.1802C>T on transcript NM_015338.6 (MANE Select); coding-DNA position 1802, C replaced by T.
Protein change: p.Thr601Met; replaces threonine 601 with methionine.
Molecular consequence: missense variant.
Genome position (GRCh38, 1-based): chr20:32,434,514, C>T. VCF-style: chr20-32434514-C-T. GRCh37 (hg19) VCF-style: chr20-31022317-C-T.
Other names: c.1802C>T (NM_015338.5); c.1619C>T, p.Thr540Met (NM_001363734.1); short protein forms T540M, T601M.
Identifiers: ClinVar variation 1434235 (VCV001434235.8), dbSNP rs778606251, ClinGen allele CA9808454.

ClinVar aggregate classification (germline): Conflicting classifications of pathogenicity. Review status: criteria provided, conflicting classifications (1 of 4 stars). 3 submissions from 3 submitters: Uncertain significance (2); Likely benign (1). Last evaluated 2024-12-13.

Conditions:
Inborn genetic diseases. Identifiers: MedGen C0950123, MeSH D030342.

Allele frequency attached by ClinVar (database versions not stated): gnomAD exomes 0.00001; TOPMed 0.00001; ExAC 0.00002; gnomAD 0.00002.
gnomAD v4.1: 16 of 1,613,950 alleles (0.00099%); highest among the groups gnomAD compares: African/African-American, 0.0053%; no homozygotes.

Submissions (3):

Ambry Genetics
Classification: Likely benign for Inborn genetic diseases. Last evaluated: 2024-12-13. Review status: criteria provided, single submitter. Criteria: Ambry Variant Classification Scheme 2023. Collection method: clinical testing. Allele origin: germline.

Labcorp Genetics (formerly Invitae), Labcorp
Classification: Uncertain significance. Last evaluated: 2022-10-24. Review status: criteria provided, single submitter. Criteria: Invitae Variant Classification Sherloc (09022015). Collection method: clinical testing. Allele origin: germline.
Comment: This sequence change replaces threonine, which is neutral and polar, with methionine, which is neutral and non-polar, at codon 601 of the ASXL1 protein (p.Thr601Met). This variant is present in population databases (rs778606251, gnomAD 0.008%). This variant has not been reported in the literature in individuals affected with ASXL1-related conditions. ClinVar contains an entry for this variant (Variation ID: 1434235). Algorithms developed to predict the effect of missense changes on protein structure and function are either unavailable or do not agree on the potential impact of this missense change (SIFT: "Tolerated"; PolyPhen-2: "Possibly Damaging"; Align-GVGD: "Class C0"). In summary, the available evidence is currently insufficient to determine the role of this variant in disease. Therefore, it has been classified as a Variant of Uncertain Significance.

GeneDx
Classification: Uncertain significance. Last evaluated: 2022-08-01. Review status: criteria provided, single submitter. Criteria: GeneDx Variant Classification Process June 2021. Collection method: clinical testing. Allele origin: germline. Affected: yes.
Comment: In silico analysis supports that this missense variant has a deleterious effect on protein structure/function; Missense variant in a gene in which most reported pathogenic variants are truncating/loss of function; Has not been previously published as pathogenic or benign to our knowledge